The following is an entry in ClinVar:

NM_012452.3(TNFRSF13B):c.779G>A (p.Gly260Glu)

Gene: TNFRSF13B (TNF receptor superfamily member 13B; minus strand). Cytogenetic location: 17p11.2.
Variant type: single nucleotide variant.
Coding change: c.779G>A on transcript NM_012452.3 (MANE Select); coding-DNA position 779, G replaced by A.
Protein change: p.Gly260Glu; replaces glycine 260 with glutamic acid.
Molecular consequence: missense variant.
Genome position (GRCh38, 1-based): chr17:16,939,650, C>T on the plus strand (G>A on the coding strand, the complement: TNFRSF13B is on the minus strand). VCF-style: chr17-16939650-C-T. GRCh37 (hg19) VCF-style: chr17-16842964-C-T.
Other names: short protein forms G260E.
Identifiers: ClinVar variation 916321 (VCV000916321.44), dbSNP rs150660451, ClinGen allele CA8413849.

ClinVar aggregate classification (germline): Uncertain significance. Review status: criteria provided, multiple submitters, no conflicts (2 of 4 stars). 6 submissions from 6 submitters: Uncertain significance (6). Last evaluated 2025-05-22.

Conditions:
Immunodeficiency, common variable, 2 (CVID2). Also called: ANTIBODY DEFICIENCY DUE TO TACI DEFECT; HYPOGAMMAGLOBULINEMIA DUE TO TACI DEFICIENCY. Identifiers: Orphanet 1572, MedGen C3150354, MONDO:0009413, OMIM 240500.
TNFRSF13B-related disorder. Also called: TNFRSF13B-related condition.

Allele frequency attached by ClinVar (database versions not stated): gnomAD exomes 0.00003 and 0.00005; ExAC 0.00004; gnomAD 0.00006; TOPMed 0.00007; ESP Exome Variant Server 0.00015.
gnomAD v4.1: 79 of 1,612,466 alleles (0.0049%); highest among the groups gnomAD compares: Non-Finnish European, 0.0065%; no homozygotes.

Submissions (6):

Department of Human Genetics, Hannover Medical School
Classification: Uncertain significance for Immunodeficiency, common variable, 2. Last evaluated: 2025-05-22. Review status: criteria provided, single submitter. Criteria: ACMG Guidelines, 2015. Collection method: clinical testing. Allele origin: germline. Affected: yes.

Labcorp Genetics (formerly Invitae), Labcorp
Classification: Uncertain significance for Immunodeficiency, common variable, 2. Last evaluated: 2024-11-06. Review status: criteria provided, single submitter. Criteria: Invitae Variant Classification Sherloc (09022015). Collection method: clinical testing. Allele origin: germline.
Comment: This sequence change replaces glycine, which is neutral and non-polar, with glutamic acid, which is acidic and polar, at codon 260 of the TNFRSF13B protein (p.Gly260Glu). This variant is present in population databases (rs150660451, gnomAD 0.008%). This variant has not been reported in the literature in individuals affected with TNFRSF13B-related conditions. ClinVar contains an entry for this variant (Variation ID: 916321). Invitae Evidence Modeling of protein sequence and biophysical properties (such as structural, functional, and spatial information, amino acid conservation, physicochemical variation, residue mobility, and thermodynamic stability) has been performed for this missense variant. However, the output from this modeling did not meet the statistical confidence thresholds required to predict the impact of this variant on TNFRSF13B protein function. In summary, the available evidence is currently insufficient to determine the role of this variant in disease. Therefore, it has been classified as a Variant of Uncertain Significance.

PreventionGenetics, part of Exact Sciences
Classification: Uncertain significance for TNFRSF13B-related condition. Last evaluated: 2023-10-01. Review status: criteria provided, single submitter. Criteria: ACMG Guidelines, 2015. Collection method: clinical testing. Allele origin: germline.
Comment: The TNFRSF13B c.779G>A variant is predicted to result in the amino acid substitution p.Gly260Glu. To our knowledge, this variant has not been reported in the literature. This variant is reported in 0.0071% of alleles in individuals of European (Non-Finnish) descent in gnomAD. At this time, the clinical significance of this variant is uncertain due to the absence of conclusive functional and genetic evidence.

Department of Pathology and Laboratory Medicine, Sinai Health System
Classification: Uncertain significance for Immunodeficiency, common variable, 2. Last evaluated: 2023-03-02. Review status: criteria provided, single submitter. Criteria: ACMG Guidelines, 2015. Collection method: research. Allele origin: germline.

GeneDx
Classification: Uncertain significance. Last evaluated: 2022-04-14. Review status: criteria provided, single submitter. Criteria: GeneDx Variant Classification Process June 2021. Collection method: clinical testing. Allele origin: germline. Affected: yes.
Comment: In silico analysis supports that this missense variant has a deleterious effect on protein structure/function; Has not been previously published as pathogenic or benign to our knowledge

CeGaT Center for Human Genetics Tuebingen
Classification: Uncertain significance. Last evaluated: 2020-03-01. Review status: criteria provided, single submitter. Criteria: CeGaT Center For Human Genetics Tuebingen Variant Classification Criteria Version 2. Collection method: clinical testing. Allele origin: germline. Affected: yes. Observed: 1 variant allele.